The following is an entry in ClinVar:

ClinVar aggregate classification (germline): Uncertain significance. Review status: criteria provided, multiple submitters, no conflicts (2 of 4 stars). 2 submissions from 2 submitters: Uncertain significance (2). Last evaluated 2024-05-23.

Conditions:
Nephronophthisis. Also called: Juvenile Nephronophthisis. Identifiers: Orphanet 655, MedGen C0687120, MONDO:0019005, HP:0000090.
Senior-Loken syndrome 4 (SLSN4). Identifiers: Orphanet 3156, MedGen C1846979, MONDO:0011756, OMIM 606996.
Nephronophthisis 4 (NPHP4). Also called: NEPHRONOPHTHISIS 4, JUVENILE. Identifiers: Orphanet 655, MedGen C1847013, MONDO:0011752, OMIM 606966.

Allele frequency attached by ClinVar (database versions not stated): gnomAD exomes 0.00001 and 0.00002; gnomAD 0.00002 and 0.00003; TOPMed 0.00002; ExAC 0.00003; 1000 Genomes Project 0.00020; 1000 Genomes Project 30x 0.00031.
gnomAD v4.1: 15 of 1,603,384 alleles (0.00094%); highest among the groups gnomAD compares: Admixed American, 0.014%; 1 homozygote.

Submissions (2):

Fulgent Genetics
Classification: Uncertain significance for Nephronophthisis 4; Senior-Loken syndrome 4. Last evaluated: 2024-05-23. Review status: criteria provided, single submitter. Criteria: ACMG Guidelines, 2015. Collection method: clinical testing. Allele origin: germline.

Labcorp Genetics (formerly Invitae), Labcorp
Classification: Uncertain significance for Nephronophthisis. Last evaluated: 2021-12-23. Review status: criteria provided, single submitter. Criteria: Invitae Variant Classification Sherloc (09022015). Collection method: clinical testing. Allele origin: germline.
Comment: This sequence change replaces alanine, which is neutral and non-polar, with threonine, which is neutral and polar, at codon 491 of the NPHP4 protein (p.Ala491Thr). The frequency data for this variant in the population databases is considered unreliable, as metrics indicate poor data quality at this position in the gnomAD database. This variant has not been reported in the literature in individuals affected with NPHP4-related conditions. ClinVar contains an entry for this variant (Variation ID: 1039016). Algorithms developed to predict the effect of missense changes on protein structure and function output the following: SIFT: "Tolerated"; PolyPhen-2: "Benign"; Align-GVGD: "Class C0". The threonine amino acid residue is found in multiple mammalian species, which suggests that this missense change does not adversely affect protein function. In summary, the available evidence is currently insufficient to determine the role of this variant in disease. Therefore, it has been classified as a Variant of Uncertain Significance.

NM_015102.5(NPHP4):c.1471G>A (p.Ala491Thr)

Gene: NPHP4 (nephrocystin 4; minus strand). Cytogenetic location: 1p36.31.
Variant type: single nucleotide variant.
Coding change: c.1471G>A on transcript NM_015102.5 (MANE Select); coding-DNA position 1471, G replaced by A.
Protein change: p.Ala491Thr; replaces alanine 491 with threonine.
Molecular consequence: missense variant. On other transcripts: non-coding transcript variant (1), intron variant (2).
Genome position (GRCh38, 1-based): chr1:5,909,184, C>T on the plus strand (G>A on the coding strand, the complement: NPHP4 is on the minus strand). VCF-style: chr1-5909184-C-T. GRCh37 (hg19) VCF-style: chr1-5969244-C-T.
Other names: c.76-3401G>A (NM_001291594.2); c.76-3404G>A (NM_001291593.2); short protein forms A491T.
Identifiers: ClinVar variation 1039016 (VCV001039016.7), dbSNP rs200462413, ClinGen allele CA554487.